The following is an entry in ClinVar:

ClinVar aggregate classification (germline): Likely pathogenic (1 of 4 stars; one submission).

Conditions:
CACNA1F-related disorder. Also called: CACNA1F-related condition.

Submission:

3billion
Classification: Likely pathogenic for CACNA1F-related disorder. Last evaluated: 2024-07-23. Review status: criteria provided, single submitter. Criteria: ACMG Guidelines, 2015. Collection method: clinical testing. Allele origin: germline. Affected: yes.
Comment: The variant is not observed in the gnomAD v4.0.0 dataset. Predicted Consequence/Location: Canonical splice site: predicted to alter splicing and result in a loss or disruption of normal protein function. Multiple pathogenic loss-of-function variants are reported downstream of the variant. In silico tools predict the variant to alter splicing and produce an abnormal transcript [SpliceAI: 0.99 (spliceogenicity >=0.2, non-spliceogenicity <0.1)]. Therefore, this variant is classified as Likely pathogenic according to the recommendation of ACMG/AMP guideline.

NM_001256789.3(CACNA1F):c.2334+1G>A

Gene: CACNA1F (calcium voltage-gated channel subunit alpha1 F; minus strand). Cytogenetic location: Xp11.23.
Variant type: single nucleotide variant.
Coding change: c.2334+1G>A on transcript NM_001256789.3 (MANE Select); the canonical splice donor site of the intron after coding-DNA position 2334, G replaced by A.
Molecular consequence: splice donor variant.
Genome position (GRCh38, 1-based): chrX:49,221,034, C>T on the plus strand (G>A on the coding strand, the complement: CACNA1F is on the minus strand). VCF-style: chrX-49221034-C-T. GRCh37 (hg19) VCF-style: chrX-49077493-C-T.
Other names: c.2367+1G>A (NM_005183.4); c.2172+1G>A (NM_001256790.3).
Identifiers: ClinVar variation 4293766 (VCV004293766.1).